The following is an entry in ClinVar:

NM_000038.6(APC):c.5624C>G (p.Ser1875Cys)

Gene: APC (APC regulator of Wnt signaling pathway; plus strand). Cytogenetic location: 5q22.2.
Variant type: single nucleotide variant.
Coding change: c.5624C>G on transcript NM_000038.6 (MANE Select); coding-DNA position 5624, C replaced by G.
Protein change: p.Ser1875Cys; replaces serine 1875 with cysteine.
Molecular consequence: missense variant.
Genome position (GRCh38, 1-based): chr5:112,841,218, C>G. VCF-style: chr5-112841218-C-G. GRCh37 (hg19) VCF-style: chr5-112176915-C-G.
Other names: c.5624C>G, p.Ser1875Cys (NM_001127510.3, NM_001354895.2); c.5570C>G, p.Ser1857Cys (NM_001127511.3); c.5678C>G, p.Ser1893Cys (NM_001354896.2); c.5654C>G, p.Ser1885Cys (NM_001354897.2); c.5549C>G, p.Ser1850Cys (NM_001354898.2); c.5540C>G, p.Ser1847Cys (NM_001354899.2); c.5501C>G, p.Ser1834Cys (NM_001354900.2); c.5447C>G, p.Ser1816Cys (NM_001354901.2); and 5 more; short protein forms S1875C, S1857C, S1715C, S1774C, S1834C, S1784C, S1816C, S1893C.
Identifiers: ClinVar variation 584676 (VCV000584676.8), dbSNP rs1460643869, ClinGen allele CA16033642.

ClinVar aggregate classification (germline): Uncertain significance. Review status: criteria provided, multiple submitters, no conflicts (2 of 4 stars). 5 submissions from 5 submitters: Uncertain significance (5). Last evaluated 2026-08-06.

Conditions:
Hereditary cancer-predisposing syndrome. Also called: Neoplastic Syndromes, Hereditary; Hereditary Cancer Syndrome; Tumor predisposition; Hereditary neoplastic syndrome. Identifiers: Orphanet 140162, MedGen C0027672, MeSH D009386, MONDO:0015356.
Hepatocellular carcinoma (HCC). Also called: Primary carcinoma of liver; HEPATOMA; LIVER CELL CARCINOMA. Identifiers: Orphanet 88673, MedGen C2239176, MONDO:0007256, OMIM 114550, HP:0001402.
Familial adenomatous polyposis 1 (FAP1). Also called: POLYPOSIS, ADENOMATOUS INTESTINAL; FAMILIAL ADENOMATOUS POLYPOSIS 1, ATTENUATED. Identifiers: MedGen C2713442, MONDO:0021056, OMIM 175100. Disease mechanism: loss of function.

Submissions (5):

OLLIN Analises Genomicas, OLLIN
Classification: Uncertain significance for Hepatocellular carcinoma. Last evaluated: 2026-08-06. Review status: criteria provided, single submitter. Criteria: ACMG Guidelines 2015 PMID 25741868. Collection method: clinical testing. Allele origin: germline. Inheritance: Autosomal dominant inheritance.
Comment: This missense variant, located in exon 16 (of 16), is absent from gnomAD and has not been identified in the literature. However, it has been reported in ClinVar (accession VCV000584676.7). In silico analysis is inconclusive regarding the impact of this variant. According to the currently available evidence, this variant has been classified as uncertain significance (PM2_P).

Labcorp Genetics (formerly Invitae), Labcorp
Classification: Uncertain significance for Familial adenomatous polyposis 1. Last evaluated: 2026-01-14. Review status: criteria provided, single submitter. Criteria: Invitae Variant Classification Sherloc (09022015). Collection method: clinical testing. Allele origin: germline.
Comment: This sequence change replaces serine, which is neutral and polar, with cysteine, which is neutral and slightly polar, at codon 1875 of the APC protein (p.Ser1875Cys). This variant is not present in population databases (gnomAD no frequency). This variant has not been reported in the literature in individuals affected with APC-related conditions. ClinVar contains an entry for this variant (Variation ID: 584676). Invitae Evidence Modeling of protein sequence and biophysical properties (such as structural, functional, and spatial information, amino acid conservation, physicochemical variation, residue mobility, and thermodynamic stability) indicates that this missense variant is not expected to disrupt APC protein function with a negative predictive value of 95%. In summary, the available evidence is currently insufficient to determine the role of this variant in disease. Therefore, it has been classified as a Variant of Uncertain Significance.

Color Diagnostics, LLC DBA Color Health
Classification: Uncertain significance for Hereditary cancer-predisposing syndrome. Last evaluated: 2022-06-20. Review status: criteria provided, single submitter. Criteria: ACMG Guidelines, 2015. Collection method: clinical testing. Allele origin: germline.
Comment: This missense variant replaces serine with cysteine at codon 1875 of the APC protein. Computational prediction suggests that this variant may not impact protein structure and function (internally defined REVEL score threshold <= 0.5, PMID: 27666373). To our knowledge, functional studies have not been reported for this variant. This variant has not been reported in individuals affected with hereditary cancer in the literature. This variant has not been identified in the general population by the Genome Aggregation Database (gnomAD). The available evidence is insufficient to determine the role of this variant in disease conclusively. Therefore, this variant is classified as a Variant of Uncertain Significance.

Ambry Genetics
Classification: Uncertain significance for Hereditary cancer-predisposing syndrome. Last evaluated: 2021-07-07. Review status: criteria provided, single submitter. Criteria: Ambry Variant Classification Scheme 2023. Collection method: clinical testing. Allele origin: germline.
Comment: The p.S1875C variant (also known as c.5624C>G), located in coding exon 15 of the APC gene, results from a C to G substitution at nucleotide position 5624. The serine at codon 1875 is replaced by cysteine, an amino acid with dissimilar properties. This amino acid position is well conserved in available vertebrate species. In addition, in silico predictors for this gene do not accurately predict pathogenicity. Since supporting evidence is limited at this time, the clinical significance of this alteration remains unclear.

Mendelics
Classification: Uncertain significance for Familial adenomatous polyposis 1. Last evaluated: 2018-07-02. Review status: criteria provided, single submitter. Criteria: Mendelics Assertion Criteria 2017. Collection method: clinical testing. Allele origin: unknown.